The following is an entry in ClinVar:

NM_016203.4(PRKAG2):c.1303A>G (p.Asn435Asp)

Gene: PRKAG2 (protein kinase AMP-activated non-catalytic subunit gamma 2; minus strand). Cytogenetic location: 7q36.1.
Variant type: single nucleotide variant.
Coding change: c.1303A>G on transcript NM_016203.4 (MANE Select); coding-DNA position 1303, A replaced by G.
Protein change: p.Asn435Asp; replaces asparagine 435 with aspartic acid.
Molecular consequence: missense variant.
Genome position (GRCh38, 1-based): chr7:151,565,816, T>C on the plus strand (A>G on the coding strand, the complement: PRKAG2 is on the minus strand). VCF-style: chr7-151565816-T-C. GRCh37 (hg19) VCF-style: chr7-151262902-T-C.
Other names: c.1171A>G, p.Asn391Asp (NM_001040633.2); c.928A>G, p.Asn310Asp (NM_001304527.2); c.580A>G, p.Asn194Asp (NM_001304531.2, NM_024429.2); c.931A>G, p.Asn311Asp (NM_001363698.2); short protein forms N311D, N391D, N310D, N194D, N435D.
Identifiers: ClinVar variation 927096 (VCV000927096.4), dbSNP rs1806116546, ClinGen allele CA370071064.
Genomic context (GRCh38, chr7:151,565,816, plus strand): 5'-TTTCCACAAATATGTTCAAGGCTTTGATGATGGGAGTGTCTGGATGTATGAAGGCAATGT[T>C]GTGGTACGTTCCTATTCCAAGCTCATCCAGGTTCTGCTTCATGAAGGCAGGCTTTGGCAT-3'
Protein context (NP_057287.2, residues 425-445): LDELGIGTYH[Asn435Asp]IAFIHPDTPI

ClinVar aggregate classification (germline): Uncertain significance (1 of 4 stars; one submission).

Conditions:
Cardiomyopathy (CMYO). Also called: Cardiomyopathies. Identifiers: Orphanet 167848, MedGen C0878544, MONDO:0004994, HP:0001638. Inheritance: Various modes of inheritance.

Submission:

Color Diagnostics, LLC DBA Color Health
Classification: Uncertain significance for Cardiomyopathy. Last evaluated: 2024-03-06. Review status: criteria provided, single submitter. Criteria: ACMG Guidelines, 2015. Collection method: clinical testing. Allele origin: germline.
Comment: This missense variant replaces asparagine with aspartic acid at codon 435 of the PRKAG2 protein. Computational prediction suggests that this variant may not impact protein structure and function (internally defined REVEL score threshold <= 0.5, PMID: 27666373). Splice site prediction tools suggest that this variant may not impact RNA splicing. To our knowledge, functional studies have not been performed for this variant. This variant has not been reported in individuals affected with cardiovascular disorders in the literature. This variant has not been identified in the general population by the Genome Aggregation Database (gnomAD). The available evidence is insufficient to determine the role of this variant in disease conclusively. Therefore, this variant is classified as a Variant of Uncertain Significance.